The following is an entry in ClinVar:

NM_198578.4(LRRK2):c.5317+5G>A

Gene: LRRK2 (leucine rich repeat kinase 2; plus strand). Cytogenetic location: 12q12.
Variant type: single nucleotide variant.
Coding change: c.5317+5G>A on transcript NM_198578.4 (MANE Select); 5 bases into the intron after coding-DNA position 5317, G replaced by A.
Molecular consequence: intron variant.
Genome position (GRCh38, 1-based): chr12:40,322,186, G>A. VCF-style: chr12-40322186-G-A. GRCh37 (hg19) VCF-style: chr12-40715988-G-A.
Identifiers: ClinVar variation 3631285 (VCV003631285.2).

ClinVar aggregate classification (germline): Uncertain significance (1 of 4 stars; one submission).

Conditions:
Autosomal dominant Parkinson disease 8. Also called: LRRK2-Related Parkinson Disease; Parkinson disease 8; Parkinson disease 8, susceptibility to. Identifiers: Orphanet 411602, MedGen C1846862, MONDO:0011764, OMIM 607060.

gnomAD v4.1: 14 of 1,608,122 alleles (0.00087%); highest among the groups gnomAD compares: African/African-American, 0.0013%; no homozygotes.

Submission:

Labcorp Genetics (formerly Invitae), Labcorp
Classification: Uncertain significance for Autosomal dominant Parkinson disease 8. Last evaluated: 2024-05-27. Review status: criteria provided, single submitter. Criteria: Invitae Variant Classification Sherloc (09022015). Collection method: clinical testing. Allele origin: germline.
Comment: This sequence change falls in intron 36 of the LRRK2 gene. It does not directly change the encoded amino acid sequence of the LRRK2 protein. It affects a nucleotide within the consensus splice site. This variant is present in population databases (rs766894342, gnomAD 0.003%). This variant has not been reported in the literature in individuals affected with LRRK2-related conditions. Variants that disrupt the consensus splice site are a relatively common cause of aberrant splicing (PMID: 17576681, 9536098). Algorithms developed to predict the effect of sequence changes on RNA splicing suggest that this variant may disrupt the consensus splice site. In summary, the available evidence is currently insufficient to determine the role of this variant in disease. Therefore, it has been classified as a Variant of Uncertain Significance.

Literature cited by the submitters: PubMed 17576681; PubMed 9536098.